The following is an entry in ClinVar:

ClinVar aggregate classification (germline): Uncertain significance (1 of 4 stars; one submission).

Conditions:
PDHA1-related disorder. Also called: PDHA1-related condition.

Allele frequency attached by ClinVar (database versions not stated): gnomAD exomes 0.00001.
gnomAD v4.1: 10 of 1,210,509 alleles (0.00083%); highest among the groups gnomAD compares: African/African-American, 0.0017%; no homozygotes.

Submission:

PreventionGenetics, part of Exact Sciences
Classification: Uncertain significance for PDHA1-related condition. Last evaluated: 2023-04-11. Review status: criteria provided, single submitter. Criteria: ACMG Guidelines, 2015. Collection method: clinical testing. Allele origin: germline.
Comment: The PDHA1 c.509G>A variant is predicted to result in the amino acid substitution p.Arg170Gln. This variant is reported in 0.0012% of alleles in individuals of European (Non-Finnish) descent in gnomAD. At this time, the clinical significance of this variant is uncertain due to the absence of conclusive functional and genetic evidence.

NM_000284.4(PDHA1):c.395G>A (p.Arg132Gln)

Gene: PDHA1 (pyruvate dehydrogenase E1 subunit alpha 1; plus strand). Cytogenetic location: Xp22.12.
Variant type: single nucleotide variant.
Coding change: c.395G>A on transcript NM_000284.4 (MANE Select); coding-DNA position 395, G replaced by A.
Protein change: p.Arg132Gln; replaces arginine 132 with glutamine.
Molecular consequence: missense variant.
Genome position (GRCh38, 1-based): chrX:19,351,384, G>A. VCF-style: chrX-19351384-G-A. GRCh37 (hg19) VCF-style: chrX-19369502-G-A.
Other names: c.509G>A, p.Arg170Gln (NM_001173454.2); c.416G>A, p.Arg139Gln (NM_001173455.2); c.395G>A, p.Arg132Gln (NM_001173456.2); short protein forms R132Q, R139Q, R170Q.
Identifiers: ClinVar variation 2633041 (VCV002633041.1), dbSNP rs1460386114, ClinGen allele CA412391264.
Genomic context (GRCh38, chrX:19,351,384, plus strand): 5'-ACCATCTCATCACAGCCTACCGGGCTCACGGCTTTACTTTCACCCGGGGCCTTTCCGTCC[G>A]AGAAATTCTCGCAGAGCTTACAGGTTTGCTGTTGATTTACAGAAAGGGGAAATGAGTGGA-3'
Protein context (NP_000275.1, residues 122-142): GFTFTRGLSV[Arg132Gln]EILAELTGRK